The following is an entry in ClinVar:

NM_001134232.2(TMEM106B):c.576G>C (p.Met192Ile)

Gene: TMEM106B (transmembrane protein 106B; plus strand). Cytogenetic location: 7p21.3.
Variant type: single nucleotide variant.
Coding change: c.576G>C on transcript NM_001134232.2 (MANE Select); coding-DNA position 576, G replaced by C.
Protein change: p.Met192Ile; replaces methionine 192 with isoleucine.
Molecular consequence: missense variant.
Genome position (GRCh38, 1-based): chr7:12,229,813, G>C. VCF-style: chr7-12229813-G-C. GRCh37 (hg19) VCF-style: chr7-12269439-G-C.
Other names: c.576G>C, p.Met192Ile (NM_018374.4); short protein forms M192I.
Identifiers: ClinVar variation 1360573 (VCV001360573.14), dbSNP rs2128527296, ClinGen allele CA366857333.

ClinVar aggregate classification (germline): Benign/Likely benign. Review status: criteria provided, multiple submitters, no conflicts (2 of 4 stars). 2 submissions from 2 submitters: Benign (1); Likely benign (1). Last evaluated 2025-10-01.

Allele frequency attached by ClinVar (database versions not stated): gnomAD exomes below 0.00001.

Submissions (2):

CeGaT Center for Human Genetics Tuebingen
Classification: Likely benign. Last evaluated: 2025-10-01. Review status: criteria provided, single submitter. Criteria: CeGaT Center For Human Genetics Tuebingen Variant Classification Criteria Version 2. Collection method: clinical testing. Allele origin: germline. Affected: yes. Observed: 1 variant allele.
Comment: TMEM106B: BP4

Labcorp Genetics (formerly Invitae), Labcorp
Classification: Benign. Last evaluated: 2024-10-24. Review status: criteria provided, single submitter. Criteria: Invitae Variant Classification Sherloc (09022015). Collection method: clinical testing. Allele origin: germline.